The following is an entry in ClinVar:

ClinVar aggregate classification (germline): Uncertain significance. Review status: criteria provided, multiple submitters, no conflicts (2 of 4 stars). 3 submissions from 3 submitters: Uncertain significance (2). 1 of the submissions does not count toward it. Last evaluated 2024-12-17.

Conditions:
HEMOGLOBIN LOMBARD.

Submissions (3):

ARUP Laboratories, Molecular Genetics and Genomics, ARUP Laboratories
Classification: Uncertain significance. Last evaluated: 2024-12-17. Review status: criteria provided, single submitter. Criteria: ARUP Molecular Germline Variant Investigation Process 2024. Collection method: clinical testing. Allele origin: germline.
Comment: The Hb Lombard variant (HBA2: c.310C>T; p.His104Tyr also known as H103Y when numbered from the mature protein, rs63750073, HbVar ID:921, ClinVar ID: 15673) is reported in the literature in heterozygous individuals with mild anemia (Guida 2006, Hoyer 2002, HbVar database). However, the same variant in the homologous HBA1 gene (Hb Charolles; HBA1: c.310C>T; p.His104Tyr) is reported in an individual with microcytosis and hypochromia who also carried another pathogenic mutation in the HBA2 gene explaining hematological symptoms (Lacan 1999). This variant is absent from the Genome Aggregation Database (v2.1.1), indicating it is not a common polymorphism. Additionally, other variants at this codon (Hb Bronovo c.311A>T, p.His103Leu; and Hb Contaldo c.311A>G; p.His103Arg) have been reported in individuals with microcytic anemia (Harteveld 2006, HbVar database and references therein). Functional analyses of the p.His104Tyr variant protein show a reduction in binding interactions with AHSP and beta globin molecules (Yu 2009). Computational analyses predict that this variant is deleterious (REVEL: 0.925). Due to conflicting information, the clinical significance of this variant is uncertain at this time. References: Link to HbVar database: Guida V et al. Hematologic and molecular characterization of a Sicilian cohort of alpha thalassemia carriers. Haematologica. 2006 Mar;91(3):409-10. Epub 2006 Feb 17. PMID: 16503552. Harteveld CL et al. Hb Bronovo, a new globin gene mutation at alpha2 103 (His->Leu) associated with an alpha thalassemia phenotype. Haematologica. 2006 Apr;91(4):570-1. Epub 2006 Mar 1. PMID: 16533721. Hoyer JD et al. Four new variants of the alpha2-globin gene without clinical or hematologic effects: Hb Park Ridge [alpha9(alpha7)Asn-->Lys (alpha2)], Hb Norton [alpha72(EF1)His-->Asp (alpha2)], Hb Lombard [alpha103(G10)His-->Tyr (alpha2)], and Hb San Antonio [A113(GH2)Leu-->Arg (A2)]. Hemoglobin. 2002 May;26(2):175-9. PMID: 12144061. Lacan P et al. Two new alpha chain variants: Hb Boghe [alpha58(E7)His-->Gln, alpha2], a variant on the distal histidine, and Hb CHarolles [alpha103(G10)His-Tyr, alpha1]. Hemoglobin. 1999 Nov;23(4):345-52. PMID: 10569723. Yu X et al. Analysis of human alpha globin gene mutations that impair binding to the alpha hemoglobin stabilizing protein. Blood. 2009 Jun 4;113(23):5961-9. PMID: 19349619.

Women's Health and Genetics/Laboratory Corporation of America, LabCorp
Classification: Uncertain significance. Last evaluated: 2024-08-14. Review status: criteria provided, single submitter. Criteria: LabCorp Variant Classification Summary - May 2015. Collection method: clinical testing. Allele origin: germline.
Comment: Variant summary: HBA2 c.310C>T (p.His104Tyr) results in a conservative amino acid change located in the globin domain (IPR000971) of the encoded protein sequence. Four of five in-silico tools predict a damaging effect of the variant on protein function. The variant was absent in 248064 control chromosomes. The available data on variant occurrences in the general population are insufficient to allow any conclusion about variant significance. c.310C>T has been reported in the literature in the heterozygous state in individuals with mild anemia (e.g. Guida_2006, Hoyer_2002, Lucan_1999). These report(s) do not provide unequivocal conclusions about association of the variant with Alpha Thalassemia. At least one publication reports experimental evidence that this variant inhibits binding to Beta globin and AHSP, however, does not allow convincing conclusions about the variant effect (e.g. Yu_2009). This variant is also known as Hb Lombard, Hb Charolles, and H103Y. The following publications have been ascertained in the context of this evaluation (PMID: 16503552, 12144061, 10569723, 19349619). ClinVar contains an entry for this variant (Variation ID: 15673). Based on the evidence outlined above, the variant was classified as uncertain significance.

OMIM
Classification: other for HEMOGLOBIN LOMBARD. Last evaluated: 2013-03-28. Review status: no assertion criteria provided. Collection method: literature only. Allele origin: germline. Not counted in ClinVar's aggregate classification.

Literature cited by the submitters: PubMed 12144061 (cited by Women's Health and Genetics/Laboratory Corporation of America, LabCorp and OMIM); PubMed 10569723 (cited by Women's Health and Genetics/Laboratory Corporation of America, LabCorp); PubMed 19349619 (cited by Women's Health and Genetics/Laboratory Corporation of America, LabCorp); PubMed 16503552 (cited by Women's Health and Genetics/Laboratory Corporation of America, LabCorp).

NM_000517.6(HBA2):c.310C>T (p.His104Tyr)

Genes: HBA2 (hemoglobin subunit alpha 2; plus strand), LOC106804612 (hemoglobin subunit alpha 2 recombination region; plus strand). Cytogenetic location: 16p13.3.
Variant type: single nucleotide variant.
Coding change: c.310C>T on transcript NM_000517.6 (MANE Select); coding-DNA position 310, C replaced by T.
Protein change: p.His104Tyr; replaces histidine 104 with tyrosine.
Molecular consequence: missense variant.
Genome position (GRCh38, 1-based): chr16:173,481, C>T. VCF-style: chr16-173481-C-T. GRCh37 (hg19) VCF-style: chr16-223480-C-T.
Other names: H103Y; short protein forms H104Y.
Identifiers: ClinVar variation 15673 (VCV000015673.3), dbSNP rs63750073, ClinGen allele CA125631.